The following is an entry in ClinVar:

NM_002439.5(MSH3):c.2170G>T (p.Asp724Tyr)

Gene: MSH3 (mutS homolog 3; plus strand). Cytogenetic location: 5q14.1.
Variant type: single nucleotide variant.
Coding change: c.2170G>T on transcript NM_002439.5 (MANE Select); coding-DNA position 2170, G replaced by T.
Protein change: p.Asp724Tyr; replaces aspartic acid 724 with tyrosine.
Molecular consequence: missense variant.
Genome position (GRCh38, 1-based): chr5:80,768,920, G>T. VCF-style: chr5-80768920-G-T. GRCh37 (hg19) VCF-style: chr5-80064739-G-T.
Other names: short protein forms D724Y.
Identifiers: ClinVar variation 1787097 (VCV001787097.5), dbSNP rs753738812, ClinGen allele CA3328152.
Genomic context (GRCh38, chr5:80,768,920, plus strand): 5'-AAAGACCTTTCTGACTTCCCTTTAATAAAAAAGAGGAAGGATGAAATTCAAGGTGTTATT[G>T]ACGAGATCCGAATGCATTTGCAAGAAATACGAAAAATACTAAAAAATCCTTCTGCACAAT-3'
Protein context (NP_002430.3, residues 714-734): KRKDEIQGVI[Asp724Tyr]EIRMHLQEIR

ClinVar aggregate classification (germline): Uncertain significance. Review status: criteria provided, multiple submitters, no conflicts (2 of 4 stars). 2 submissions from 2 submitters: Uncertain significance (2). Last evaluated 2024-10-02.

Conditions:
Hereditary cancer-predisposing syndrome. Also called: Neoplastic Syndromes, Hereditary; Tumor predisposition; Hereditary Cancer Syndrome; Hereditary neoplastic syndrome. Identifiers: Orphanet 140162, MedGen C0027672, MeSH D009386, MONDO:0015356.

Allele frequency attached by ClinVar (database versions not stated): gnomAD exomes below 0.00001; ExAC 0.00001.
gnomAD v4.1: 1 of 1,612,796 alleles (0.000062%); highest among the groups gnomAD compares: Non-Finnish European, 0.000085%; no homozygotes.

Submissions (2):

Labcorp Genetics (formerly Invitae), Labcorp
Classification: Uncertain significance. Last evaluated: 2024-10-02. Review status: criteria provided, single submitter. Criteria: Invitae Variant Classification Sherloc (09022015). Collection method: clinical testing. Allele origin: germline.
Comment: This sequence change replaces aspartic acid, which is acidic and polar, with tyrosine, which is neutral and polar, at codon 724 of the MSH3 protein (p.Asp724Tyr). This variant is present in population databases (rs753738812, gnomAD 0.0009%). This variant has not been reported in the literature in individuals affected with MSH3-related conditions. ClinVar contains an entry for this variant (Variation ID: 1787097). An algorithm developed to predict the effect of missense changes on protein structure and function outputs the following: PolyPhen-2: "Benign". The tyrosine amino acid residue is found in multiple mammalian species, which suggests that this missense change does not adversely affect protein function. In summary, the available evidence is currently insufficient to determine the role of this variant in disease. Therefore, it has been classified as a Variant of Uncertain Significance.

Ambry Genetics
Classification: Uncertain significance for Hereditary cancer-predisposing syndrome. Last evaluated: 2023-11-15. Review status: criteria provided, single submitter. Criteria: Ambry Variant Classification Scheme 2023. Collection method: clinical testing. Allele origin: germline.
Comment: The p.D724Y variant (also known as c.2170G>T), located in coding exon 15 of the MSH3 gene, results from a G to T substitution at nucleotide position 2170. The aspartic acid at codon 724 is replaced by tyrosine, an amino acid with highly dissimilar properties. This amino acid position is conserved. In addition, this alteration is predicted to be tolerated by in silico analysis. Since supporting evidence is limited at this time, the clinical significance of this alteration remains unclear.